The following is an entry in ClinVar:

ClinVar aggregate classification (germline): Uncertain significance (1 of 4 stars; one submission).

Submission:

CeGaT Center for Human Genetics Tuebingen
Classification: Uncertain significance. Last evaluated: 2023-10-01. Review status: criteria provided, single submitter. Criteria: CeGaT Center For Human Genetics Tuebingen Variant Classification Criteria Version 2. Collection method: clinical testing. Allele origin: germline. Affected: yes. Observed: 1 variant allele.
Comment: GSN: PM2

NM_198252.3(GSN):c.-10+5174_-10+5203del

Genes: GSN (gelsolin; plus strand), LOC126860753 (MED14-independent group 3 enhancer GRCh37_chr9:124048350-124049549; plus strand). Cytogenetic location: 9q33.2.
Variant type: Deletion.
Coding change: c.-10+5174_-10+5203del on transcript NM_198252.3 (MANE Select); bases 5174 to 5203 of the intron after 10 bases upstream of the start codon, 30 bases deleted (AGCTGATCTTCATGCCACTGTGTACAGTAG).
Molecular consequence: intron variant. On other transcripts: splice donor variant (2), initiator codon variant (1).
Genome position (GRCh38, 1-based): chr9:121,286,736-121,286,765, AGCTGATCTTCATGCCACTGTGTACAGTAG deleted; deleting any 30 consecutive bases within chr9:121,286,734-121,286,765 gives the same sequence; the c. name uses the placement nearest the transcript's 3' end. VCF-style (leftmost placement, unchanged base first): chr9-121286733-GAGAGCTGATCTTCATGCCACTGTGTACAGT-G. GRCh37 (hg19) VCF-style: chr9-124049011-GAGAGCTGATCTTCATGCCACTGTGTACAGT-G.
Other names: c.-2+5174_-2+5203del (NM_001353057.2, NM_001353058.2); c.-459+5174_-459+5203del (NM_001353078.2); c.-47-13320_-47-13291del (NM_001353067.2); c.-38-13329_-38-13300del (NM_001353063.2); c.-9-15227_-9-15198del (NM_001127662.2); c.-10+5174_-10+5203del (NM_001353062.1, NM_001353054.1, NM_001353053.1 and 2 more transcripts); c.42+551_42+580del (NM_001258029.2); c.-11_15+4del (NM_001258030.2); and 14 more.
Identifiers: ClinVar variation 2659476 (VCV002659476.24), dbSNP rs2540186257, ClinGen allele CA2695199406.